The following is an entry in ClinVar:

ClinVar aggregate classification (germline): Conflicting classifications of pathogenicity. Review status: criteria provided, conflicting classifications (1 of 4 stars). 2 submissions from 2 submitters: Likely pathogenic (1); Uncertain significance (1). Last evaluated 2024-05-14.

Conditions:
Early-infantile DEE. Also called: Early infantile epileptic encephalopathy; Ohtahara syndrome; Early infantile epileptic encephalopathy with suppression bursts. Identifiers: Orphanet 1934, MedGen C0393706, MONDO:0800491.

Submissions (2):

GeneDx
Classification: Likely pathogenic. Last evaluated: 2024-05-14. Review status: criteria provided, single submitter. Criteria: GeneDx Variant Classification Process June 2021. Collection method: clinical testing. Allele origin: germline. Affected: yes.
Comment: Not observed at significant frequency in large population cohorts (gnomAD); In silico analysis supports that this missense variant has a deleterious effect on protein structure/function; Has not been previously published as pathogenic or benign to our knowledge

Labcorp Genetics (formerly Invitae), Labcorp
Classification: Uncertain significance for Early-infantile DEE. Last evaluated: 2020-11-16. Review status: criteria provided, single submitter. Criteria: Invitae Variant Classification Sherloc (09022015). Collection method: clinical testing. Allele origin: germline.
Comment: This sequence change replaces aspartic acid with asparagine at codon 401 of the HCN1 protein (p.Asp401Asn). The aspartic acid residue is highly conserved and there is a small physicochemical difference between aspartic acid and asparagine. This variant is not present in population databases (ExAC no frequency). This variant has been observed in individual(s) with clinical features of HCN1-related conditions (Invitae). Algorithms developed to predict the effect of missense changes on protein structure and function are either unavailable or do not agree on the potential impact of this missense change (SIFT: "Deleterious"; PolyPhen-2: "Benign"; Align-GVGD: "Class C15"). This variant disrupts the p.Asp401 amino acid residue in HCN1. Other variant(s) that disrupt this residue have been determined to be pathogenic (PMID: 24747641). This suggests that this residue is clinically significant, and that variants that disrupt this residue are likely to be disease-causing. In summary, the available evidence is currently insufficient to determine the role of this variant in disease. Therefore, it has been classified as a Variant of Uncertain Significance.

Literature cited by the submitters: PubMed 24747641 (cited by Labcorp Genetics (formerly Invitae), Labcorp).

NM_021072.4(HCN1):c.1201G>A (p.Asp401Asn)

Gene: HCN1 (hyperpolarization activated cyclic nucleotide gated potassium channel 1; minus strand). Cytogenetic location: 5p12.
Variant type: single nucleotide variant.
Coding change: c.1201G>A on transcript NM_021072.4 (MANE Select); coding-DNA position 1201, G replaced by A.
Protein change: p.Asp401Asn; replaces aspartic acid 401 with asparagine.
Molecular consequence: missense variant.
Genome position (GRCh38, 1-based): chr5:45,396,521, C>T on the plus strand (G>A on the coding strand, the complement: HCN1 is on the minus strand). VCF-style: chr5-45396521-C-T. GRCh37 (hg19) VCF-style: chr5-45396623-C-T.
Other names: c.1201G>A (NM_021072.3); short protein forms D401N.
Identifiers: ClinVar variation 1514590 (VCV001514590.10), dbSNP rs587777491, ClinGen allele CA359705203.